The following is an entry in ClinVar:

NM_005450.6(NOG):c.192G>T (p.Thr64=)

Gene: NOG (noggin; plus strand). Cytogenetic location: 17q22.
Variant type: single nucleotide variant.
Coding change: c.192G>T on transcript NM_005450.6 (MANE Select); coding-DNA position 192, G replaced by T.
Protein change: p.Thr64=; no amino-acid change (threonine 64 retained).
Molecular consequence: synonymous variant.
Genome position (GRCh38, 1-based): chr17:56,594,415, G>T. VCF-style: chr17-56594415-G-T. GRCh37 (hg19) VCF-style: chr17-54671776-G-T.
Identifiers: ClinVar variation 3686950 (VCV003686950.2).

ClinVar aggregate classification (germline): Uncertain significance (1 of 4 stars; one submission).

gnomAD v4.1: 1 of 1,613,182 alleles (0.000062%); highest among the groups gnomAD compares: Non-Finnish European, 0.000085%; no homozygotes.

Submission:

Labcorp Genetics (formerly Invitae), Labcorp
Classification: Uncertain significance. Last evaluated: 2025-01-20. Review status: criteria provided, single submitter. Criteria: Invitae Variant Classification Sherloc (09022015). Collection method: clinical testing. Allele origin: germline.
Comment: This sequence change affects codon 64 of the NOG mRNA. It is a 'silent' change, meaning that it does not change the encoded amino acid sequence of the NOG protein. This variant is not present in population databases (gnomAD no frequency). This variant has not been reported in the literature in individuals affected with NOG-related conditions. In summary, the available evidence is currently insufficient to determine the role of this variant in disease. Therefore, it has been classified as a Variant of Uncertain Significance.